The following is an entry in ClinVar:

NM_206933.4(USH2A):c.13374del (p.Glu4458fs)

Gene: USH2A (usherin; minus strand). Cytogenetic location: 1q41.
Variant type: Deletion.
Coding change: c.13374del on transcript NM_206933.4 (MANE Select); coding-DNA position 13374, one base deleted (A; older notation c.13374delA).
Protein change: p.Glu4458fs; shifts the reading frame from glutamic acid 4458.
Molecular consequence: frameshift variant.
Genome position (GRCh38, 1-based): chr1:215,674,537, T deleted on the plus strand (A on the coding strand, the reverse complement: USH2A is on the minus strand); the first of 2 consecutive T bases (chr1:215,674,537-215,674,538); deleting either gives the same sequence. VCF-style (leftmost placement, unchanged base first): chr1-215674536-AT-A. GRCh37 (hg19) VCF-style: chr1-215847878-AT-A.
Other names: c.13374del (NM_206933.2); short protein forms E4458fs.
Identifiers: ClinVar variation 166428 (VCV000166428.25), dbSNP rs727503715, ClinGen allele CA273285.

ClinVar aggregate classification (germline): Pathogenic. Review status: criteria provided, multiple submitters, no conflicts (2 of 4 stars). 12 submissions from 12 submitters: Pathogenic (10). 2 of the submissions do not count toward it. Last evaluated 2026-07-17.

Conditions:
USH2A-related disorder. Also called: USH2A-related condition; USH2A-related disorders. Identifiers: MedGen CN239332.
Usher syndrome type 2A. Also called: USHER SYNDROME, TYPE IIA; RETINAL DISEASE IN USHER SYNDROME TYPE IIA, MODIFIER OF. Identifiers: Orphanet 231178, Orphanet 886, MedGen C1848634, MONDO:0010169, OMIM 276901.
Retinal disorder. Also called: Retinal disorders; Retinopathy; Retinopathies; Retinal Diseases. Identifiers: MedGen C0035309, MONDO:0005283, HP:0000488.
Rare genetic deafness. Identifiers: Orphanet 96210, MedGen C5680250.
Retinal dystrophy. Also called: Inherited retinal dystrophy. Identifiers: Orphanet 71862, MedGen C0854723, MeSH D058499, MONDO:0019118, HP:0000556.
Retinitis pigmentosa 39 (RP39). Identifiers: Orphanet 791, MedGen C3151138, MONDO:0013436, OMIM 613809.

Submissions (12):

Genetics Laboratory, Great Ormond Street Hospital NHS Foundation Trust, North Thames Genomic Laboratory Hub
Classification: Pathogenic for Retinal disorders. Last evaluated: 2026-07-17. Review status: criteria provided, single submitter. Criteria: ACGS Best Practice Guidelines for Variant Classification in Rare Disease 2024 v1.2. Collection method: clinical testing. Allele origin: germline. Affected: yes.
Comment: PM2_moderate, PVS1_very-strong, PM3_strong

Natera, Inc.
Classification: Pathogenic for Usher syndrome type 2A. Last evaluated: 2025-12-01. Review status: criteria provided, single submitter. Criteria: Natera Variant Classification Schema (03/2026). Collection method: clinical testing. Allele origin: germline.
Comment: The c.13374delA variant in USH2A is a frameshift variant predicted to shift the reading frame beginning at codon 4458 and leads to a stop codon 3 codons downstream. This variant is expected to result in nonsense mediated decay, truncation, or a dysfunctional protein product. This variant is rare in the general population with a frequency below the threshold expected for the associated phenotype(s). This variant has been observed in one or more individuals affected with the associated recessive disease, as either homozygous or compound heterozygous with a second variant (PMID: 32531858). Given the available evidence, this variant is classified as Pathogenic.

Labcorp Genetics (formerly Invitae), Labcorp
Classification: Pathogenic. Last evaluated: 2024-12-05. Review status: criteria provided, single submitter. Criteria: Invitae Variant Classification Sherloc (09022015). Collection method: clinical testing. Allele origin: germline.
Comment: This sequence change creates a premature translational stop signal (p.Glu4458Aspfs*3) in the USH2A gene. It is expected to result in an absent or disrupted protein product. Loss-of-function variants in USH2A are known to be pathogenic (PMID: 10729113, 10909849, 20507924, 25649381). This variant is present in population databases (rs727503715, gnomAD 0.0009%). This premature translational stop signal has been observed in individual(s) with USH2A-related conditions (PMID: 17405132, 28041643). ClinVar contains an entry for this variant (Variation ID: 166428). For these reasons, this variant has been classified as Pathogenic.

Institute of Medical Genetics and Applied Genomics, University Hospital Tübingen
Classification: Pathogenic for Usher syndrome type 2A. Last evaluated: 2024-07-09. Review status: criteria provided, single submitter. Criteria: ACMG Guidelines, 2015. Collection method: clinical testing. Allele origin: germline. Inheritance: Autosomal recessive inheritance. Affected: yes.

Baylor Genetics
Classification: Pathogenic for Retinitis pigmentosa 39. Last evaluated: 2024-01-02. Review status: criteria provided, single submitter. Criteria: ACMG Guidelines, 2015. Collection method: clinical testing. Allele origin: unknown.

Genome-Nilou Lab
Classification: Pathogenic for Usher syndrome type 2A. Last evaluated: 2023-11-04. Review status: criteria provided, single submitter. Criteria: ACMG Guidelines, 2015. Collection method: clinical testing. Allele origin: germline. Affected: no.

Blueprint Genetics
Classification: Pathogenic for USH2A-related disorders. Last evaluated: 2023-09-01. Review status: criteria provided, single submitter. Criteria: ACMG Guidelines, 2015. Collection method: clinical testing. Allele origin: germline. Affected: yes. Observed: 5 variant alleles.

Institute of Human Genetics, Univ. Regensburg, Univ. Regensburg
Classification: Pathogenic for Retinal dystrophy. Last evaluated: 2019-01-01. Review status: criteria provided, single submitter. Criteria: ACMG Guidelines, 2015. Collection method: clinical testing. Allele origin: germline. Affected: yes.

GeneDx
Classification: Pathogenic. Last evaluated: 2017-04-27. Review status: criteria provided, single submitter. Criteria: GeneDx Variant Classification (06012015). Collection method: clinical testing. Allele origin: germline. Affected: yes.
Comment: The c.13374delA variant in the USH2 gene has been reported previously in the compound heterozygous state with a second USH2 variant in patients with Usher syndrome type II (Baux et al., 2007; Le Quesne Stabej et al., 2012). The c.13374delA variant causes a frameshift starting with codon Glutamic Acid 4458, changes this amino acid to a Aspartic Acid residue, and creates a premature Stop codon at position 3 of the new reading frame, denoted p.Glu4458AspfsX3. This variant is predicted to cause loss of normal protein function either through protein truncation or nonsense-mediated mRNA decay. The c.13374delA variant is not observed at a significant frequency in large population cohorts (Lek et al., 2016; 1000 Genomes Consortium et al., 2015; Exome Variant Server). We interpret c.13374delA as a pathogenic variant.

Laboratory for Molecular Medicine, Mass General Brigham Personalized Medicine
Classification: Pathogenic for Rare genetic deafness. Last evaluated: 2014-09-15. Review status: criteria provided, single submitter. Criteria: LMM Criteria. Collection method: clinical testing. Allele origin: germline. Inheritance: Autosomal recessive inheritance. Observed: 1 variant allele.
Comment: The p.Glu4458fs variant in USH2A has been reported in four individuals with Ushe r syndrome, all of whom are compound heterozygous with a second pathogenic USH2A variant (Baux 2007, Stabej 2012). It has not been identified in large populat ion studies. This variant is predicted to cause a frameshift, which alters the p rotein?s amino acid sequence beginning at position 4458 and leads to a premature termination codon 3 amino acids downstream. This alteration is then predicted t o lead to a truncated or absent protein. In summary, this variant meets our crit eria to be classified as pathogenic for usher syndrome in an autosomal recessive manner.

Counsyl
Classification: Pathogenic for Retinitis pigmentosa 39. Last evaluated: 2017-05-01. Review status: no assertion criteria provided. Collection method: clinical testing. Allele origin: unknown. Not counted in ClinVar's aggregate classification.

NIHR Bioresource Rare Diseases, University of Cambridge
Classification: Pathogenic for Retinal dystrophy. Last evaluated: 2015-01-01. Review status: no assertion criteria provided. Collection method: research. Allele origin: unknown. Affected: yes. Observed: 1 variant allele. Not counted in ClinVar's aggregate classification.

Literature cited by the submitters: PubMed 32531858 (cited by Natera, Inc. and Institute of Human Genetics, Univ. Regensburg, Univ. Regensburg); PubMed 10729113 (cited by Labcorp Genetics (formerly Invitae), Labcorp); PubMed 10909849 (cited by Labcorp Genetics (formerly Invitae), Labcorp); PubMed 20507924 (cited by Labcorp Genetics (formerly Invitae), Labcorp); PubMed 25649381 (cited by Labcorp Genetics (formerly Invitae), Labcorp); PubMed 17405132 (cited by 4 submitters); PubMed 28041643 (cited by 3 submitters); PubMed 31964843 (cited by Institute of Human Genetics, Univ. Regensburg, Univ. Regensburg); PubMed 33302505 (cited by Institute of Human Genetics, Univ. Regensburg, Univ. Regensburg); PubMed 32581362 (cited by Institute of Human Genetics, Univ. Regensburg, Univ. Regensburg); PubMed 33576794 (cited by Institute of Human Genetics, Univ. Regensburg, Univ. Regensburg); PubMed 34948090 (cited by Institute of Human Genetics, Univ. Regensburg, Univ. Regensburg); PubMed 34781295 (cited by Institute of Human Genetics, Univ. Regensburg, Univ. Regensburg); PubMed 36011334 (cited by Institute of Human Genetics, Univ. Regensburg, Univ. Regensburg); PubMed 35452909 (cited by Institute of Human Genetics, Univ. Regensburg, Univ. Regensburg); PubMed 36819107 (cited by Institute of Human Genetics, Univ. Regensburg, Univ. Regensburg); PubMed 22135276 (cited by Laboratory for Molecular Medicine, Mass General Brigham Personalized Medicine); PubMed 27460420 (cited by Counsyl).